The following is an entry in ClinVar:

NM_138694.4(PKHD1):c.10756_10759del (p.Asn3586fs)

Gene: PKHD1 (PKHD1 ciliary IPT domain containing fibrocystin/polyductin; minus strand). Cytogenetic location: 6p12.3.
Variant type: Microsatellite.
Coding change: c.10756_10759del on transcript NM_138694.4 (MANE Select); coding-DNA positions 10756 to 10759, 4 bases deleted (AACT; older notation c.10756_10759delAACT).
Protein change: p.Asn3586fs; shifts the reading frame from asparagine 3586.
Molecular consequence: frameshift variant.
Genome position (GRCh38, 1-based): chr6:51,659,367-51,659,370, AGTT deleted on the plus strand (AACT on the coding strand, the reverse complement: PKHD1 is on the minus strand); deleting any 4 consecutive bases within chr6:51,659,367-51,659,377 gives the same sequence; the c. name uses the placement nearest the transcript's 3' end. VCF-style (leftmost placement, unchanged base first): chr6-51659366-AAGTT-A. GRCh37 (hg19) VCF-style: chr6-51524164-AAGTT-A.
Other names: c.10756_10759delAACT (NM_138694.3); short protein forms N3586fs.
Identifiers: ClinVar variation 1400515 (VCV001400515.10), dbSNP rs1195276132, ClinGen allele CA567635980.

ClinVar aggregate classification (germline): Pathogenic. Review status: criteria provided, multiple submitters, no conflicts (2 of 4 stars). 4 submissions from 4 submitters: Pathogenic (4). Last evaluated 2024-12-13.

Conditions:
Polycystic kidney disease 4 (PKD4). Also called: PKD3; POLYCYSTIC KIDNEY AND HEPATIC DISEASE 1; POLYCYSTIC KIDNEY DISEASE, INFANTILE, TYPE I; POLYCYSTIC KIDNEY DISEASE 4 WITH OR WITHOUT POLYCYSTIC LIVER DISEASE; Autosomal Recessive Polycystic Kidney Disease – PKHD1. Identifiers: MedGen C4540575, MONDO:0033004, OMIM 263200.
Autosomal recessive polycystic kidney disease (ARPKD). Also called: AR polycystic kidney disease. Identifiers: Orphanet 731, Orphanet 8378, MedGen C0085548, MeSH D017044, MONDO:0009889.

Submissions (4):

Natera, Inc.
Classification: Pathogenic for Autosomal recessive polycystic kidney disease. Last evaluated: 2024-12-13. Review status: criteria provided, single submitter. Criteria: Natera Variant Classification Schema (03/2026). Collection method: clinical testing. Allele origin: germline.
Comment: The c.10756_10759delAACT variant in PKHD1 is a frameshift variant predicted to shift the reading frame beginning at codon 3586 and leads to a stop codon 22 codons downstream. This variant is expected to result in nonsense mediated decay, truncation, or a dysfunctional protein product. This variant is rare in the general population with a frequency below the threshold expected for the associated phenotype(s). This variant has been observed in one or more individuals affected with the associated recessive disease, as either homozygous or compound heterozygous with a second variant (PMID: 33123899). Given the available evidence, this variant is classified as Pathogenic.

Fulgent Genetics
Classification: Pathogenic for Polycystic kidney disease 4. Last evaluated: 2024-06-12. Review status: criteria provided, single submitter. Criteria: ACMG Guidelines, 2015. Collection method: clinical testing. Allele origin: germline.

Labcorp Genetics (formerly Invitae), Labcorp
Classification: Pathogenic for Autosomal recessive polycystic kidney disease. Last evaluated: 2024-03-20. Review status: criteria provided, single submitter. Criteria: Invitae Variant Classification Sherloc (09022015). Collection method: clinical testing. Allele origin: germline.
Comment: This sequence change creates a premature translational stop signal (p.Asn3586Serfs*22) in the PKHD1 gene. It is expected to result in an absent or disrupted protein product. Loss-of-function variants in PKHD1 are known to be pathogenic (PMID: 19940839). This variant is present in population databases (no rsID available, gnomAD 0.004%). This variant has not been reported in the literature in individuals affected with PKHD1-related conditions. For these reasons, this variant has been classified as Pathogenic.

Baylor Genetics
Classification: Pathogenic for Polycystic kidney disease 4. Last evaluated: 2024-02-24. Review status: criteria provided, single submitter. Criteria: ACMG Guidelines, 2015. Collection method: clinical testing. Allele origin: unknown.

Literature cited by the submitters: PubMed 33123899 (cited by Natera, Inc.); PubMed 19940839 (cited by Labcorp Genetics (formerly Invitae), Labcorp).